The following is an entry in ClinVar:

ClinVar aggregate classification (germline): Pathogenic. Review status: criteria provided, multiple submitters, no conflicts (2 of 4 stars). 6 submissions from 6 submitters: Pathogenic (6). Last evaluated 2024-11-21.

Conditions:
GALNS-related disorder. Also called: GALNS-related condition.
Mucopolysaccharidosis, MPS-IV-A (MPS4A). Also called: MORQUIO SYNDROME A; Mucopolysaccharidosis Type IVA; MPS IVA; Morquio syndrome A, mild; GALACTOSAMINE-6-SULFATASE DEFICIENCY; GALNS DEFICIENCY. Identifiers: Orphanet 309297, Orphanet 582, MedGen C0086651, MONDO:0009659, OMIM 253000.

Submissions (6):

PreventionGenetics, part of Exact Sciences
Classification: Pathogenic for GALNS-related condition. Last evaluated: 2024-11-21. Review status: criteria provided, single submitter. Criteria: ACMG Guidelines, 2015. Collection method: clinical testing. Allele origin: germline.
Comment: The GALNS c.405_422+1del19 variant is predicted to result in a deletion affecting a canonical splice site. This variant is predicted to disrupt splicing (Alamut Visual Plus v1.6.1). This variant was reported as pathogenic in individuals with mucopolysaccharidosis IVa (Dũng et al. 2013. PubMed ID: 23876334; Moisan et al. 2020. PubMed ID: 32993725). This variant has not been reported in a large population database, indicating this variant is rare. Variants that disrupt the consensus splice donor site in GALNS are expected to be pathogenic. This variant is interpreted as pathogenic.

GeneDx
Classification: Pathogenic. Last evaluated: 2023-04-13. Review status: criteria provided, single submitter. Criteria: GeneDx Variant Classification Process June 2021. Collection method: clinical testing. Allele origin: germline. Affected: yes.
Comment: Canonical splice site variant predicted to result in a null allele in a gene for which loss of function is a known mechanism of disease; Not observed at significant frequency in large population cohorts (gnomAD); This variant is associated with the following publications: (PMID: 32993725, 23876334)

Genome-Nilou Lab
Classification: Pathogenic for Mucopolysaccharidosis, MPS-IV-A. Last evaluated: 2021-11-07. Review status: criteria provided, single submitter. Criteria: ACMG Guidelines, 2015. Collection method: clinical testing. Allele origin: germline. Affected: no.

Laboratory of Diagnosis and Therapy of Lysosomal Disorders, University of Padova
Classification: Pathogenic for Mucopolysaccharidosis, MPS-IV-A. Last evaluated: 2021-02-01. Review status: criteria provided, single submitter. Criteria: ACMG Guidelines, 2015. Collection method: curation. Allele origin: germline. Affected: yes.
Comment: Deletion including splicing canonical site (PVS1_very strong); the prevalence of the variant in affected individuals is significantly increased compared with the prevalence in controls (PS4_supporting); absent from gnomAD v2.1.1 (PM2_moderate)

Labcorp Genetics (formerly Invitae), Labcorp
Classification: Pathogenic for Mucopolysaccharidosis, MPS-IV-A. Last evaluated: 2020-04-09. Review status: criteria provided, single submitter. Criteria: Invitae Variant Classification Sherloc (09022015). Collection method: clinical testing. Allele origin: germline.
Comment: This variant results in the deletion of part of exon 4 (c.405_422+1del) of the GALNS gene. It is expected to disrupt RNA splicing and likely results in an absent or disrupted protein product. The frequency data for this variant in the population databases is considered unreliable, as metrics indicate poor data quality at this position in the ExAC database. This variant has been observed in individual(s) with mucopolysaccharidosis type IVA (PMID: 23876334). Algorithms developed to predict the effect of sequence changes on RNA splicing suggest that this variant may disrupt the consensus splice site, but this prediction has not been confirmed by published transcriptional studies. This variant disrupts the p.Gly139 amino acid residue in GALNS. Other variant(s) that disrupt this residue have been determined to be pathogenic (PMID: 9375852, 15235041, 23227063, 23876334). This suggests that this residue is clinically significant, and that variants that disrupt this residue are likely to be disease-causing. Loss-of-function variants in GALNS are known to be pathogenic (PMID: 12442278). For these reasons, this variant has been classified as Pathogenic.

Eurofins Ntd Llc (ga)
Classification: Pathogenic. Last evaluated: 2013-06-13. Review status: criteria provided, single submitter. Criteria: EGL Classification Definitions 2015. Collection method: clinical testing. Allele origin: germline. Observed: 1 variant allele, 1 heterozygote.

Literature cited by the submitters: PubMed 23876334 (cited by Laboratory of Diagnosis and Therapy of Lysosomal Disorders, University of Padova and Labcorp Genetics (formerly Invitae), Labcorp); PubMed 24726177 (cited by Laboratory of Diagnosis and Therapy of Lysosomal Disorders, University of Padova); PubMed 32993725 (cited by Laboratory of Diagnosis and Therapy of Lysosomal Disorders, University of Padova); PubMed 34387910 (cited by Laboratory of Diagnosis and Therapy of Lysosomal Disorders, University of Padova); PubMed 9375852 (cited by Labcorp Genetics (formerly Invitae), Labcorp); PubMed 15235041 (cited by Labcorp Genetics (formerly Invitae), Labcorp); PubMed 23227063 (cited by Labcorp Genetics (formerly Invitae), Labcorp); PubMed 12442278 (cited by Labcorp Genetics (formerly Invitae), Labcorp).

NM_000512.5(GALNS):c.405_422+1del

Gene: GALNS (galactosamine (N-acetyl)-6-sulfatase; minus strand). Cytogenetic location: 16q24.3.
Variant type: Deletion.
Coding change: c.405_422+1del on transcript NM_000512.5 (MANE Select); coding-DNA position 405 through the canonical splice donor site of the intron after coding-DNA position 422, 19 bases deleted (CAAGATTGTCGGCAAGTGG).
Molecular consequence: splice donor variant.
Genome position (GRCh38, 1-based): chr16:88,840,991-88,841,009, CCACTTGCCGACAATCTTG deleted on the plus strand (CAAGATTGTCGGCAAGTGG on the coding strand, the reverse complement: GALNS is on the minus strand); deleting any 19 consecutive bases within chr16:88,840,991-88,841,010 gives the same sequence; the c. name uses the placement nearest the transcript's 3' end. VCF-style (leftmost placement, unchanged base first): chr16-88840990-ACCACTTGCCGACAATCTTG-A. GRCh37 (hg19) VCF-style: chr16-88907398-ACCACTTGCCGACAATCTTG-A.
Other names: c.405_422+1del19 (NM_000512.4); c.-151_-134+1del (NM_001323543.2); c.423_440+1del (NM_001323544.2).
Identifiers: ClinVar variation 93177 (VCV000093177.21), dbSNP rs398123437, ClinGen allele CA8235165.